The following is an entry in ClinVar:

NM_001201543.2(FAM161A):c.1567C>T (p.Arg523Ter)

Gene: FAM161A (FAM161 centrosomal protein A; minus strand). Cytogenetic location: 2p15.
Variant type: single nucleotide variant.
Coding change: c.1567C>T on transcript NM_001201543.2 (MANE Select); coding-DNA position 1567, C replaced by T.
Protein change: p.Arg523Ter; replaces arginine 523 with a stop codon.
Molecular consequence: nonsense. On other transcripts: non-coding transcript variant (1).
Genome position (GRCh38, 1-based): chr2:61,839,437, G>A on the plus strand (C>T on the coding strand, the complement: FAM161A is on the minus strand). VCF-style: chr2-61839437-G-A. GRCh37 (hg19) VCF-style: chr2-62066572-G-A.
Other names: c.1567C>T, p.Arg523Ter (NM_032180.3); short protein forms R523*.
Identifiers: ClinVar variation 38 (VCV000000038.59), dbSNP rs202193201, ClinGen allele CA233972.

ClinVar aggregate classification (germline): Pathogenic. Review status: criteria provided, multiple submitters, no conflicts (2 of 4 stars). 18 submissions from 18 submitters: Pathogenic (11). 7 of the submissions do not count toward it. Last evaluated 2025-12-01.

Conditions:
FAM161A-related disorder. Also called: FAM161A-related condition.
Retinal dystrophy. Also called: Inherited retinal dystrophy. Identifiers: Orphanet 71862, MedGen C0854723, MeSH D058499, MONDO:0019118, HP:0000556.
Retinitis pigmentosa (RP). Identifiers: Orphanet 791, MedGen C0035334, MeSH D012174, MONDO:0019200, OMIM 268000. Inheritance: Autosomal dominant, autosomal recessive and X linked inheritance.
Retinitis pigmentosa 28 (RP28). Identifiers: Orphanet 791, MedGen C1419614, MONDO:0011630, OMIM 606068.

Allele frequency attached by ClinVar (database versions not stated): TOPMed 0.00002; 1000 Genomes Project 0.00020; 1000 Genomes Project 30x 0.00031.
gnomAD v4.1: 63 of 1,614,124 alleles (0.0039%); highest among the groups gnomAD compares: Admixed American, 0.0067%; no homozygotes.

Submissions (18):

3billion
Classification: Pathogenic for Retinitis pigmentosa 28. Last evaluated: 2025-12-01. Review status: criteria provided, single submitter. Criteria: ACMG Guidelines, 2015. Collection method: clinical testing. Allele origin: germline. Affected: yes.
Comment: The variant is observed at an extremely low frequency in the gnomAD v4.1.0 dataset (total allele frequency: 0.004%). Predicted Consequence/Location: Stop-gained (nonsense): predicted to result in a loss or disruption of normal protein function through nonsense-mediated decay (NMD) or protein truncation. Multiple pathogenic variants are reported downstream of the variant. The variant has been reported at least twice as pathogenic with clinical assertions and evidence for the classification (ClinVar ID: VCV000000038 /PMID: 20705279). Therefore, this variant is classified as Pathogenic according to the recommendation of ACMG/AMP guideline.

Labcorp Genetics (formerly Invitae), Labcorp
Classification: Pathogenic. Last evaluated: 2025-11-04. Review status: criteria provided, single submitter. Criteria: Invitae Variant Classification Sherloc (09022015). Collection method: clinical testing. Allele origin: germline.
Comment: This sequence change creates a premature translational stop signal (p.Arg523*) in the FAM161A gene. It is expected to result in an absent or disrupted protein product. Loss-of-function variants in FAM161A are known to be pathogenic (PMID: 20705278, 20705279, 24651477). The frequency data for this variant in the population databases is considered unreliable, as metrics indicate poor data quality at this position in the gnomAD database. This premature translational stop signal has been observed in individuals with retinitis pigmentosa (PMID: 20705279, 28945494). ClinVar contains an entry for this variant (Variation ID: 38). For these reasons, this variant has been classified as Pathogenic.

Natera, Inc.
Classification: Pathogenic for Retinitis pigmentosa type 28. Last evaluated: 2025-08-04. Review status: criteria provided, single submitter. Criteria: Natera Variant Classification Schema (03/2026). Collection method: clinical testing. Allele origin: germline.
Comment: The c.1567C>T variant in FAM161A is a nonsense variant predicted to introduce a stop codon at amino acid 523. This variant is expected to result in nonsense mediated decay, truncation, or a dysfunctional protein product. This variant is rare in the general population with a frequency below the threshold expected for the associated phenotype(s). This variant has been observed in one or more individuals affected with the associated recessive disease, as either homozygous or compound heterozygous with a second variant (PMID: 32531858, 30543658). Given the available evidence, this variant is classified as Pathogenic.

Dasa
Classification: Pathogenic. Last evaluated: 2025-01-23. Review status: criteria provided, single submitter. Criteria: DASA Assertion Criteria. Collection method: clinical testing. Allele origin: germline.
Comment: NM_001201543.2(FAM161A):c.1567C>T (p.Arg523*) introduces a premature termination codon predicted to result in loss of normal protein function. Loss-of-function is an established mechanism of disease for this gene. Segregation evidence has been reported in affected families. This variant has been observed in affected individuals with related phenotype in a genotype context consistent with recessive disease (PMID: 31456290; PMID: 26261414; PMID: 28945494; PMID: 20705279). This variant has been recurrently observed in individuals with related phenotype (PMID: 31456290; PMID: 26261414; PMID: 28945494; PMID: 20705279). The variant is present at low frequency in population datasets. Based on the available data, this variant is classified as pathogenic.

Fulgent Genetics
Classification: Pathogenic for Retinitis pigmentosa 28. Last evaluated: 2024-05-31. Review status: criteria provided, single submitter. Criteria: ACMG Guidelines, 2015. Collection method: clinical testing. Allele origin: germline.

Blueprint Genetics
Classification: Pathogenic for FAM161A-related disorders. Last evaluated: 2024-03-14. Review status: criteria provided, single submitter. Criteria: ACMG Guidelines, 2015. Collection method: clinical testing. Allele origin: germline. Affected: yes. Observed: 5 variant alleles.

GeneDx
Classification: Pathogenic. Last evaluated: 2024-03-07. Review status: criteria provided, single submitter. Criteria: GeneDx Variant Classification Process June 2021. Collection method: clinical testing. Allele origin: germline. Affected: yes.
Comment: Nonsense variant predicted to result in protein truncation or nonsense mediated decay in a gene for which loss of function is a known mechanism of disease; This variant is associated with the following publications: (PMID: 25525159, 28559085, 31456290, 34426522, 31589614, 28945494, 31345219, 32531858, 32938956, 20705279, 31814694)

CeGaT Center for Human Genetics Tuebingen
Classification: Pathogenic. Last evaluated: 2023-09-01. Review status: criteria provided, single submitter. Criteria: CeGaT Center For Human Genetics Tuebingen Variant Classification Criteria Version 2. Collection method: clinical testing. Allele origin: germline. Affected: yes. Observed: 1 variant allele.
Comment: FAM161A: PM3:Very Strong, PVS1, PM2

Women's Health and Genetics/Laboratory Corporation of America, LabCorp
Classification: Pathogenic for Retinitis pigmentosa. Last evaluated: 2022-04-27. Review status: criteria provided, single submitter. Criteria: LabCorp Variant Classification Summary - May 2015. Collection method: clinical testing. Allele origin: germline.
Comment: Variant summary: FAM161A c.1567C>T (p.Arg523X) results in a premature termination codon, predicted to cause a truncation of the encoded protein or absence of the protein due to nonsense mediated decay, which are commonly known mechanisms for disease. Truncations downstream of this position have been classified as pathogenic by our laboratory. The variant allele was found at a frequency of 4.8e-05 in 249446 control chromosomes. This frequency is not significantly higher than expected for a pathogenic variant in FAM161A causing Retinitis Pigmentosa (4.8e-05 vs 0.00063), allowing no conclusion about variant significance. c.1567C>T has been reported in the literature in multiple individuals affected with Retinitis Pigmentosa. These data indicate that the variant is very likely to be associated with disease. Eight clinical diagnostic laboratories have submitted clinical-significance assessments for this variant to ClinVar after 2014 without evidence for independent evaluation. All laboratories classified the variant as pathogenic. Based on the evidence outlined above, the variant was classified as pathogenic.

Broad Center for Mendelian Genomics, Broad Institute of MIT and Harvard
Classification: Pathogenic for Retinitis pigmentosa. Last evaluated: 2021-04-01. Review status: criteria provided, single submitter. Criteria: ACMG Guidelines, 2015. Collection method: curation. Allele origin: germline. Inheritance: Autosomal recessive inheritance. Affected: yes.
Comment: Through a review of available evidence we were able to apply the following criteria: PVS1, PM2, PM3-P. Based on this evidence we have classified this variant as Pathogenic. If you have any questions about the classification please reach out to the Pierce Lab.

Eurofins Ntd Llc (ga)
Classification: Pathogenic. Last evaluated: 2016-08-15. Review status: criteria provided, single submitter. Criteria: EGL Classification Definitions. Collection method: clinical testing. Allele origin: germline. Observed: 2 variant alleles, 1 heterozygote, 1 homozygote.

Sharon lab, Hadassah-Hebrew University Medical Center
Classification: Pathogenic for Retinitis pigmentosa. Last evaluated: 2019-06-23. Review status: no assertion criteria provided. Collection method: research. Allele origin: inherited. Affected: yes. Not counted in ClinVar's aggregate classification.

Department of Clinical Genetics, Copenhagen University Hospital, Rigshospitalet
Classification: Pathogenic for Retinal dystrophy. Last evaluated: 2018-04-01. Review status: no assertion criteria provided. Collection method: research. Allele origin: unknown. Affected: yes. Study: VeluxRD. Not counted in ClinVar's aggregate classification.

Counsyl
Classification: Pathogenic for Retinitis pigmentosa 28. Last evaluated: 2016-10-18. Review status: no assertion criteria provided. Collection method: clinical testing. Allele origin: unknown. Not counted in ClinVar's aggregate classification.

OMIM
Classification: Pathogenic for RETINITIS PIGMENTOSA 28. Last evaluated: 2010-09-10. Review status: no assertion criteria provided. Collection method: literature only. Allele origin: germline. Not counted in ClinVar's aggregate classification.

Clinical Genetics DNA and cytogenetics Diagnostics Lab, Erasmus MC, Erasmus Medical Center
Classification: Pathogenic. Review status: no assertion criteria provided. Collection method: clinical testing. Allele origin: germline. Affected: yes. Study: VKGL Data-share Consensus. Not counted in ClinVar's aggregate classification.

Clinical Genetics, Academic Medical Center
Classification: Pathogenic. Review status: no assertion criteria provided. Collection method: clinical testing. Allele origin: germline. Affected: yes. Study: VKGL Data-share Consensus. Not counted in ClinVar's aggregate classification.

Joint Genome Diagnostic Labs from Nijmegen and Maastricht, Radboudumc and MUMC+
Classification: Pathogenic. Review status: no assertion criteria provided. Collection method: clinical testing. Allele origin: germline. Affected: yes. Study: VKGL Data-share Consensus. Not counted in ClinVar's aggregate classification.

Literature cited by the submitters: PubMed 20705279 (cited by 6 submitters); PubMed 20705278 (cited by Labcorp Genetics (formerly Invitae), Labcorp); PubMed 24651477 (cited by Labcorp Genetics (formerly Invitae), Labcorp); PubMed 28945494 (cited by Labcorp Genetics (formerly Invitae), Labcorp and Dasa); PubMed 32531858 (cited by Natera, Inc.); PubMed 30543658 (cited by Natera, Inc.); PubMed 31456290 (cited by Dasa); PubMed 26261414 (cited by Dasa); PubMed 34906470 (cited by Broad Center for Mendelian Genomics, Broad Institute of MIT and Harvard); PubMed 30718709 (cited by Department of Clinical Genetics, Copenhagen University Hospital, Rigshospitalet); PubMed 25525159 (cited by Counsyl).